The following is an entry in ClinVar:

NM_052813.5(CARD9):c.745G>A (p.Glu249Lys)

Gene: CARD9 (caspase recruitment domain family member 9; minus strand). Cytogenetic location: 9q34.3.
Variant type: single nucleotide variant.
Coding change: c.745G>A on transcript NM_052813.5 (MANE Select); coding-DNA position 745, G replaced by A.
Protein change: p.Glu249Lys; replaces glutamic acid 249 with lysine.
Molecular consequence: missense variant.
Genome position (GRCh38, 1-based): chr9:136,370,584, C>T on the plus strand (G>A on the coding strand, the complement: CARD9 is on the minus strand). VCF-style: chr9-136370584-C-T. GRCh37 (hg19) VCF-style: chr9-139265036-C-T.
Other names: c.745G>A, p.Glu249Lys (NM_052814.4); short protein forms E249K.
Identifiers: ClinVar variation 1467239 (VCV001467239.7), dbSNP rs773804555, ClinGen allele CA5332998.

ClinVar aggregate classification (germline): Uncertain significance. Review status: criteria provided, multiple submitters, no conflicts (2 of 4 stars). 2 submissions from 2 submitters: Uncertain significance (2). Last evaluated 2024-10-14.

Conditions:
Predisposition to invasive fungal disease due to CARD9 deficiency (IMD103). Also called: IMMUNODEFICIENCY 103, SUSCEPTIBILITY TO FUNGAL INFECTIONS; CARD9 IMMUNODEFICIENCY; Candidiasis, familial, 2, autosomal recessive. Identifiers: Orphanet 457088, MedGen C1859353, MONDO:0008905, OMIM 212050.

Allele frequency attached by ClinVar (database versions not stated): ExAC 0.00001; gnomAD 0.00001; gnomAD exomes 0.00001 and 0.00004.

Submissions (2):

Labcorp Genetics (formerly Invitae), Labcorp
Classification: Uncertain significance for Predisposition to invasive fungal disease due to CARD9 deficiency. Last evaluated: 2024-10-14. Review status: criteria provided, single submitter. Criteria: Invitae Variant Classification Sherloc (09022015). Collection method: clinical testing. Allele origin: germline.
Comment: This sequence change replaces glutamic acid, which is acidic and polar, with lysine, which is basic and polar, at codon 249 of the CARD9 protein (p.Glu249Lys). This variant is present in population databases (rs773804555, gnomAD 0.003%). This missense change has been observed in individual(s) with pulmonary nontuberculous mycobacteria infection (PMID: 26038974). ClinVar contains an entry for this variant (Variation ID: 1467239). Invitae Evidence Modeling of protein sequence and biophysical properties (such as structural, functional, and spatial information, amino acid conservation, physicochemical variation, residue mobility, and thermodynamic stability) indicates that this missense variant is not expected to disrupt CARD9 protein function with a negative predictive value of 80%. In summary, the available evidence is currently insufficient to determine the role of this variant in disease. Therefore, it has been classified as a Variant of Uncertain Significance.

Fulgent Genetics
Classification: Uncertain significance for Predisposition to invasive fungal disease due to CARD9 deficiency. Last evaluated: 2022-04-29. Review status: criteria provided, single submitter. Criteria: ACMG Guidelines, 2015. Collection method: clinical testing. Allele origin: unknown.

Literature cited by the submitters: PubMed 26038974 (cited by Labcorp Genetics (formerly Invitae), Labcorp).